The following is an entry in ClinVar:

ClinVar aggregate classification (germline): Benign. Review status: criteria provided, multiple submitters, no conflicts (2 of 4 stars). 3 submissions from 3 submitters: Benign (3). Last evaluated 2024-07-15.

Allele frequency attached by ClinVar (database versions not stated): gnomAD exomes 0.07707 and 0.09180; ESP Exome Variant Server 0.09252; gnomAD 0.09385 and 0.09558; TOPMed 0.09407; ExAC 0.09633; 1000 Genomes Project 0.11342; 1000 Genomes Project 30x 0.11430.

Submissions (3):

Unidad de Genómica Garrahan, Hospital de Pediatría Garrahan
Classification: Benign. Last evaluated: 2024-07-15. Review status: criteria provided, single submitter. Criteria: ACMG Guidelines, 2015. Collection method: clinical testing. Allele origin: germline. Affected: no. Observed: 20 variant alleles.
Comment: This variant is classified as Benign based on local population frequency. This variant was detected in 22% of patients studied in a panel designed for Epileptic and Developmental Encephalopathy and Progressive Myoclonus Epilepsy. Number of patients: 20. Only high quality variants are reported.

GeneDx
Classification: Benign. Last evaluated: 2018-06-26. Review status: criteria provided, single submitter. Criteria: GeneDx Variant Classification Process June 2021. Collection method: clinical testing. Allele origin: germline. Affected: yes.

Breakthrough Genomics
Classification: Benign. Review status: criteria provided, single submitter. Criteria: ACMG Guidelines, 2015. Collection method: not provided. Allele origin: germline. Inheritance: Autosomal dominant inheritance. Affected: yes.

NM_000744.7(CHRNA4):c.228+22G>A

Gene: CHRNA4 (cholinergic receptor nicotinic alpha 4 subunit; minus strand). Cytogenetic location: 20q13.33.
Variant type: single nucleotide variant.
Coding change: c.228+22G>A on transcript NM_000744.7 (MANE Select); 22 bases into the intron after coding-DNA position 228, G replaced by A.
Molecular consequence: intron variant.
Genome position (GRCh38, 1-based): chr20:63,359,526, C>T on the plus strand (G>A on the coding strand, the complement: CHRNA4 is on the minus strand). VCF-style: chr20-63359526-C-T. GRCh37 (hg19) VCF-style: chr20-61990878-C-T.
Other names: c.-319+22G>A (NM_001256573.2).
Identifiers: ClinVar variation 1251570 (VCV001251570.5), dbSNP rs2273505, ClinGen allele CA9957933.
Genomic context (GRCh38, chr20:63,359,526, plus strand): 5'-TGTCCCCTCTGCCCACCCAGACCCCTGTGCTCCTTGCAGGGCGACCTCAGTCACAGTGCA[C>T]GATGGCCACGCCCTCACCTACCACGTCAATGAGCTGAGCGATGGACAGGCCGAAGCGGAC-3'